The following is an entry in ClinVar:

ClinVar aggregate classification (germline): Uncertain significance. Review status: criteria provided, multiple submitters, no conflicts (2 of 4 stars). 4 submissions from 4 submitters: Uncertain significance (4). Last evaluated 2026-04-14.

Conditions:
Inborn genetic diseases. Identifiers: MedGen C0950123, MeSH D030342.

Allele frequency attached by ClinVar (database versions not stated): gnomAD exomes 0.00005; ESP Exome Variant Server 0.00008; gnomAD 0.00009; TOPMed 0.00009; ExAC 0.00010; 1000 Genomes Project 30x 0.00031; 1000 Genomes Project 0.00040.
gnomAD v4.1: 83 of 1,614,244 alleles (0.0051%); highest among the groups gnomAD compares: Admixed American, 0.03%; no homozygotes.

Submissions (4):

Women's Health and Genetics/Laboratory Corporation of America, LabCorp
Classification: Uncertain significance. Last evaluated: 2026-04-14. Review status: criteria provided, single submitter. Criteria: LabCorp Variant Classification Summary - May 2015. Collection method: clinical testing. Allele origin: germline.

CeGaT Center for Human Genetics Tuebingen
Classification: Uncertain significance. Last evaluated: 2025-03-01. Review status: criteria provided, single submitter. Criteria: CeGaT Center For Human Genetics Tuebingen Variant Classification Criteria Version 2. Collection method: clinical testing. Allele origin: germline. Affected: yes. Observed: 1 variant allele.
Comment: LAMB3: PM2

Ambry Genetics
Classification: Uncertain significance for Inborn genetic diseases. Last evaluated: 2024-09-11. Review status: criteria provided, single submitter. Criteria: Ambry Variant Classification Scheme 2023. Collection method: clinical testing. Allele origin: germline.

Labcorp Genetics (formerly Invitae), Labcorp
Classification: Uncertain significance. Last evaluated: 2022-10-18. Review status: criteria provided, single submitter. Criteria: Invitae Variant Classification Sherloc (09022015). Collection method: clinical testing. Allele origin: germline.
Comment: This sequence change replaces valine, which is neutral and non-polar, with methionine, which is neutral and non-polar, at codon 916 of the LAMB3 protein (p.Val916Met). This variant is present in population databases (rs145014090, gnomAD 0.02%). This variant has not been reported in the literature in individuals affected with LAMB3-related conditions. Advanced modeling of protein sequence and biophysical properties (such as structural, functional, and spatial information, amino acid conservation, physicochemical variation, residue mobility, and thermodynamic stability) performed at Invitae indicates that this missense variant is expected to disrupt LAMB3 protein function. In summary, the available evidence is currently insufficient to determine the role of this variant in disease. Therefore, it has been classified as a Variant of Uncertain Significance.

NM_000228.3(LAMB3):c.2746G>A (p.Val916Met)

Gene: LAMB3 (laminin subunit beta 3; minus strand). Cytogenetic location: 1q32.2.
Variant type: single nucleotide variant.
Coding change: c.2746G>A on transcript NM_000228.3 (MANE Select); coding-DNA position 2746, G replaced by A.
Protein change: p.Val916Met; replaces valine 916 with methionine.
Molecular consequence: missense variant.
Genome position (GRCh38, 1-based): chr1:209,618,615, C>T on the plus strand (G>A on the coding strand, the complement: LAMB3 is on the minus strand). VCF-style: chr1-209618615-C-T. GRCh37 (hg19) VCF-style: chr1-209791960-C-T.
Other names: c.2746G>A (NM_000228.2); c.2746G>A, p.Val916Met (NM_001017402.2, NM_001127641.1); short protein forms V916M.
Identifiers: ClinVar variation 2041385 (VCV002041385.10), dbSNP rs145014090, ClinGen allele CA1375104.